The following is an entry in ClinVar:

ClinVar aggregate classification (germline): Uncertain significance (1 of 4 stars; one submission).

Conditions:
Familial thoracic aortic aneurysm and aortic dissection (TAAD). Also called: Thoracic aortic aneurysms and dissections. Identifiers: Orphanet 91387, MedGen C4707243, MONDO:0019625.

Submission:

Color Diagnostics, LLC DBA Color Health
Classification: Uncertain significance for Familial thoracic aortic aneurysm and aortic dissection. Last evaluated: 2021-10-11. Review status: criteria provided, single submitter. Criteria: ACMG Guidelines, 2015. Collection method: clinical testing. Allele origin: germline.
Comment: This variant replaces three nucleotides in exon 14 of the MYH11 gene with a new nucleotide, creating a frameshift and premature translation stop signal. This variant is expected to result in an absent or non-functional protein product. To our knowledge, functional studies have not been reported for this variant. This variant has not been reported in individuals affected with cardiovascular disorders in the literature. This variant has not been identified in the general population by the Genome Aggregation Database (gnomAD). The role of loss-of-function MYH11 truncation and splice variants in autosomal dominant cardiovascular disorders is not clearly established. The available evidence is insufficient to determine the role of this variant in disease conclusively. Therefore, this variant is classified as a Variant of Uncertain Significance.

NM_002474.3(MYH11):c.1468_1470delinsT (p.Thr490fs)

Gene: MYH11 (myosin heavy chain 11; minus strand). Cytogenetic location: 16p13.11.
Variant type: Indel.
Coding change: c.1468_1470delinsT on transcript NM_002474.3 (MANE Select); coding-DNA positions 1468 to 1470, ACC replaced by T.
Protein change: p.Thr490fs; shifts the reading frame from threonine 490.
Molecular consequence: frameshift variant.
Genome position (GRCh38, 1-based): chr16:15,757,932-15,757,934, GGT replaced by A on the plus strand (ACC replaced by T on the coding strand, the reverse complement: MYH11 is on the minus strand). VCF-style: chr16-15757932-GGT-A. GRCh37 (hg19) VCF-style: chr16-15851789-GGT-A.
Other names: c.1489_1491delinsT, p.Thr497fs (NM_001040113.2, NM_001040114.2); c.1468_1470delinsT, p.Thr490fs (NM_022844.3); short protein forms T497fs, T490fs.
Identifiers: ClinVar variation 2773859 (VCV002773859.2), dbSNP rs2506380152, ClinGen allele CA2697555665.